The following is an entry in ClinVar:

ClinVar aggregate classification (germline): Conflicting classifications of pathogenicity. Review status: criteria provided, conflicting classifications (1 of 4 stars). 2 submissions from 2 submitters: Uncertain significance (1); Likely benign (1). Last evaluated 2025-12-12.

Conditions:
Renal cell carcinoma. Identifiers: Orphanet 217071, MedGen C0007134, MeSH D002292, MONDO:0005086, HP:0005584.
Hereditary cancer-predisposing syndrome. Also called: Neoplastic Syndromes, Hereditary; Hereditary neoplastic syndrome; Tumor predisposition; Hereditary Cancer Syndrome. Identifiers: Orphanet 140162, MedGen C0027672, MeSH D009386, MONDO:0015356.

Allele frequency attached by ClinVar (database versions not stated): gnomAD exomes below 0.00001.
gnomAD v4.1: 1 of 1,614,086 alleles (0.000062%); highest among the groups gnomAD compares: Non-Finnish European, 0.000085%; no homozygotes.

Submissions (2):

Ambry Genetics
Classification: Likely benign for Hereditary cancer-predisposing syndrome. Last evaluated: 2025-12-12. Review status: criteria provided, single submitter. Criteria: Ambry Variant Classification Scheme 2023. Collection method: clinical testing. Allele origin: germline.

Labcorp Genetics (formerly Invitae), Labcorp
Classification: Uncertain significance for Renal cell carcinoma. Last evaluated: 2023-04-17. Review status: criteria provided, single submitter. Criteria: Invitae Variant Classification Sherloc (09022015). Collection method: clinical testing. Allele origin: germline.
Comment: This sequence change replaces arginine, which is basic and polar, with lysine, which is basic and polar, at codon 266 of the MET protein (p.Arg266Lys). This variant is not present in population databases (gnomAD no frequency). This variant has not been reported in the literature in individuals affected with MET-related conditions. Advanced modeling of protein sequence and biophysical properties (such as structural, functional, and spatial information, amino acid conservation, physicochemical variation, residue mobility, and thermodynamic stability) performed at Invitae indicates that this missense variant is not expected to disrupt MET protein function. In summary, the available evidence is currently insufficient to determine the role of this variant in disease. Therefore, it has been classified as a Variant of Uncertain Significance.

NM_000245.4(MET):c.797G>A (p.Arg266Lys)

Gene: MET (MET proto-oncogene, receptor tyrosine kinase; plus strand). Cytogenetic location: 7q31.2.
Variant type: single nucleotide variant.
Coding change: c.797G>A on transcript NM_000245.4 (MANE Select); coding-DNA position 797, G replaced by A.
Protein change: p.Arg266Lys; replaces arginine 266 with lysine.
Molecular consequence: missense variant. On other transcripts: intron variant (1).
Genome position (GRCh38, 1-based): chr7:116,699,881, G>A. VCF-style: chr7-116699881-G-A. GRCh37 (hg19) VCF-style: chr7-116339935-G-A.
Other names: c.797G>A, p.Arg266Lys (NM_001127500.3, NM_001324401.3); c.-91+27304G>A (NM_001324402.2); short protein forms R266K.
Identifiers: ClinVar variation 2854940 (VCV002854940.4), dbSNP rs2116598150, ClinGen allele CA368969874.